The following is an entry in ClinVar:

NM_003361.4(UMOD):c.1383G>A (p.Ala461=)

Gene: UMOD (uromodulin; minus strand). Cytogenetic location: 16p12.3.
Variant type: single nucleotide variant.
Coding change: c.1383G>A on transcript NM_003361.4 (MANE Select); coding-DNA position 1383, G replaced by A.
Protein change: p.Ala461=; no amino-acid change (alanine 461 retained).
Molecular consequence: synonymous variant. On other transcripts: non-coding transcript variant (1).
Genome position (GRCh38, 1-based): chr16:20,341,285, C>T on the plus strand (G>A on the coding strand, the complement: UMOD is on the minus strand). VCF-style: chr16-20341285-C-T. GRCh37 (hg19) VCF-style: chr16-20352607-C-T.
Other names: c.1383G>A, p.Ala461= (NM_001008389.3, NM_001378232.1, NM_001378233.1); c.1482G>A, p.Ala494= (NM_001278614.2); c.1524G>A, p.Ala508= (NM_001378234.1, NM_001378235.1).
Identifiers: ClinVar variation 887718 (VCV000887718.11), dbSNP rs147222401, ClinGen allele CA7939156.

ClinVar aggregate classification (germline): Likely benign. Review status: criteria provided, multiple submitters, no conflicts (2 of 4 stars). 3 submissions from 3 submitters: Likely benign (3). Last evaluated 2025-06-29.

Conditions:
Familial juvenile hyperuricemic nephropathy type 1 (ADTKD1). Also called: Glomerulocystic kidney disease with hyperuricemia and isosthenuria; Medullary cystic kidney disease 2; Autosomal Dominant Tubulointerstitial Kidney Disease – UMOD; UMOD-Associated Kidney Disease; Uromodulin-associated kidney disease. Identifiers: Orphanet 209886, Orphanet 34149, Orphanet 88950, MedGen C4551496, MONDO:0008073, OMIM 162000.

Allele frequency attached by ClinVar (database versions not stated): gnomAD exomes 0.00003; ExAC 0.00006; gnomAD 0.00010 and 0.00011; TOPMed 0.00011; 1000 Genomes Project 30x 0.00016; 1000 Genomes Project 0.00020; ESP Exome Variant Server 0.00031.
gnomAD v4.1: 36 of 1,613,990 alleles (0.0022%); highest among the groups gnomAD compares: African/African-American, 0.037%; no homozygotes.

Submissions (3):

Labcorp Genetics (formerly Invitae), Labcorp
Classification: Likely benign. Last evaluated: 2025-06-29. Review status: criteria provided, single submitter. Criteria: Invitae Variant Classification Sherloc (09022015). Collection method: clinical testing. Allele origin: germline.

Fulgent Genetics
Classification: Likely benign for Familial juvenile hyperuricemic nephropathy type 1. Last evaluated: 2022-04-28. Review status: criteria provided, single submitter. Criteria: ACMG Guidelines, 2015. Collection method: clinical testing. Allele origin: unknown.

Illumina Laboratory Services, Illumina
Classification: Likely benign for UMOD-Associated Kidney Disease. Last evaluated: 2018-01-12. Review status: criteria provided, single submitter. Criteria: ICSL Variant Classification Criteria 13 December 2019. Collection method: clinical testing. Allele origin: germline.
Comment: This variant was observed in the ICSL laboratory as part of a predisposition screen in an ostensibly healthy population. It had not been previously curated by ICSL or reported in the Human Gene Mutation Database (HGMD: prior to June 1st, 2018), and was therefore a candidate for classification through an automated scoring system. Utilizing variant allele frequency, disease prevalence and penetrance estimates, and inheritance mode, an automated score was calculated to assess if this variant is too frequent to cause the disease. Based on the score and internal cut-off values, a variant classified as likely benign is not then subjected to further curation. The score for this variant resulted in a classification of likely benign for this disease.